The following is an entry in ClinVar:

NM_183357.3(ADCY5):c.1174G>A (p.Val392Met)

Gene: ADCY5 (adenylate cyclase 5; minus strand). Cytogenetic location: 3q21.1.
Variant type: single nucleotide variant.
Coding change: c.1174G>A on transcript NM_183357.3 (MANE Select); coding-DNA position 1174, G replaced by A.
Protein change: p.Val392Met; replaces valine 392 with methionine.
Molecular consequence: missense variant.
Genome position (GRCh38, 1-based): chr3:123,352,542, C>T on the plus strand (G>A on the coding strand, the complement: ADCY5 is on the minus strand). VCF-style: chr3-123352542-C-T. GRCh37 (hg19) VCF-style: chr3-123071389-C-T.
Other names: c.124G>A, p.Val42Met (NM_001199642.1); c.1174G>A, p.Val392Met (NM_001378259.1); short protein forms V392M, V42M.
Identifiers: ClinVar variation 1207504 (VCV001207504.15), dbSNP rs140572299, ClinGen allele CA2577531.

ClinVar aggregate classification (germline): Conflicting classifications of pathogenicity. Review status: criteria provided, conflicting classifications (1 of 4 stars). 2 submissions from 2 submitters: Uncertain significance (1); Likely benign (1). Last evaluated 2025-07-08.

Allele frequency attached by ClinVar (database versions not stated): gnomAD 0.00012; 1000 Genomes Project 0.00020; ESP Exome Variant Server 0.00023; 1000 Genomes Project 30x 0.00031.

Submissions (2):

Labcorp Genetics (formerly Invitae), Labcorp
Classification: Likely benign. Last evaluated: 2025-07-08. Review status: criteria provided, single submitter. Criteria: Invitae Variant Classification Sherloc (09022015). Collection method: clinical testing. Allele origin: germline.

GeneDx
Classification: Uncertain significance. Last evaluated: 2023-09-20. Review status: criteria provided, single submitter. Criteria: GeneDx Variant Classification Process June 2021. Collection method: clinical testing. Allele origin: germline. Affected: yes.
Comment: In silico analysis supports that this missense variant does not alter protein structure/function; Has not been previously published as pathogenic or benign to our knowledge